The following is an entry in ClinVar:

NM_005633.4(SOS1):c.2447T>C (p.Ile816Thr)

Gene: SOS1 (SOS Ras/Rac guanine nucleotide exchange factor 1; minus strand). Cytogenetic location: 2p22.1.
Variant type: single nucleotide variant.
Coding change: c.2447T>C on transcript NM_005633.4 (MANE Select); coding-DNA position 2447, T replaced by C.
Protein change: p.Ile816Thr; replaces isoleucine 816 with threonine.
Molecular consequence: missense variant.
Genome position (GRCh38, 1-based): chr2:39,010,647, A>G on the plus strand (T>C on the coding strand, the complement: SOS1 is on the minus strand). VCF-style: chr2-39010647-A-G. GRCh37 (hg19) VCF-style: chr2-39237788-A-G.
Other names: c.2426T>C, p.Ile809Thr (NM_001382394.1); c.2447T>C, p.Ile816Thr (NM_001382395.1); short protein forms I809T, I816T.
Identifiers: ClinVar variation 2575032 (VCV002575032.1), dbSNP rs2528985101, ClinGen allele CA346363839.
Genomic context (GRCh38, chr2:39,010,647, plus strand): 5'-TCAAACCACAGAGTGAGGTTGGTGGTATGTCGAATCATTTTCAGAAGATTAGGAGAGTTA[A>G]TTTCTTTGTCTTCTTTTGTCCACACACTTCCAACTAATTCTGATGGCTGTACAGCTCTAA-3'
Protein context (NP_005624.2, residues 806-826): GSVWTKEDKE[Ile816Thr]NSPNLLKMIR

ClinVar aggregate classification (germline): Uncertain significance (1 of 4 stars; one submission).

Submission:

GeneDx
Classification: Uncertain significance. Last evaluated: 2023-02-03. Review status: criteria provided, single submitter. Criteria: GeneDx Variant Classification Process June 2021. Collection method: clinical testing. Allele origin: germline. Affected: yes.
Comment: Not observed at significant frequency in large population cohorts (gnomAD); Missense variants in this gene are often considered pathogenic (HGMD); In silico analysis supports that this missense variant does not alter protein structure/function; Has not been previously published as pathogenic or benign to our knowledge; This variant is associated with the following publications: (PMID: 29493581)